The following is an entry in ClinVar:

NM_002113.3(CFHR1):c.975A>G (p.Pro325=)

Gene: CFHR1 (complement factor H related 1; plus strand). Cytogenetic location: 1q31.3.
Variant type: single nucleotide variant.
Coding change: c.975A>G on transcript NM_002113.3 (MANE Select); coding-DNA position 975, A replaced by G.
Protein change: p.Pro325=; no amino-acid change (proline 325 retained).
Molecular consequence: synonymous variant.
Genome position (GRCh38, 1-based): chr1:196,831,981, A>G. VCF-style: chr1-196831981-A-G. GRCh37 (hg19) VCF-style: chr1-196801111-A-G.
Other names: p.Pro325=; c.924A>G, p.Pro308= (NM_001379306.1); c.813A>G, p.Pro271= (NM_001379307.1); c.810A>G, p.Pro270= (NM_001379308.1); c.807A>G, p.Pro269= (NM_001379309.1); c.780A>G, p.Pro260= (NM_001379310.1); c.771A>G, p.Pro257= (NM_001379311.1); c.732A>G, p.Pro244= (NM_001379312.1).
Identifiers: ClinVar variation 4683970 (VCV004683970.1).

ClinVar aggregate classification (germline): Likely benign (1 of 4 stars; one submission).

gnomAD v4.1: 9 of 1,523,402 alleles (0.00059%); highest among the groups gnomAD compares: Admixed American, 0.0052%; 2 homozygotes.

Submission:

Mayo Clinic Laboratories, Mayo Clinic
Classification: Likely benign. Last evaluated: 2025-11-02. Review status: criteria provided, single submitter. Criteria: ACMG Guidelines, 2015. Collection method: clinical testing. Allele origin: germline. Observed: 2 variant alleles.
Comment: BP4, BP7